The following is an entry in ClinVar:

NM_000059.4(BRCA2):c.1409A>C (p.Glu470Ala)

Gene: BRCA2 (BRCA2 DNA repair associated; plus strand). Cytogenetic location: 13q13.1.
Variant type: single nucleotide variant.
Coding change: c.1409A>C on transcript NM_000059.4 (MANE Select); coding-DNA position 1409, A replaced by C.
Protein change: p.Glu470Ala; replaces glutamic acid 470 with alanine.
Molecular consequence: missense variant.
Genome position (GRCh38, 1-based): chr13:32,332,887, A>C. VCF-style: chr13-32332887-A-C. GRCh37 (hg19) VCF-style: chr13-32907024-A-C.
Other names: short protein forms E470A.
Identifiers: ClinVar variation 233895 (VCV000233895.27), dbSNP rs750341436, ClinGen allele CA6940518.

ClinVar aggregate classification (germline): Conflicting classifications of pathogenicity. Review status: criteria provided, conflicting classifications (1 of 4 stars). 11 submissions from 10 submitters: Uncertain significance (8); Benign (1); Likely benign (2). Last evaluated 2025-07-03.

Conditions:
Breast and/or ovarian cancer. Identifiers: MedGen CN221562.
Hereditary breast ovarian cancer syndrome. Also called: Hereditary breast and ovarian cancer; Breast and ovarian cancer; BRCA1- and BRCA2-Associated Hereditary Breast and Ovarian Cancer; Hereditary breast and ovarian cancer syndrome; Hereditary breast and ovarian cancer syndrome (HBOC); Hereditary breast and/or ovarian cancer syndrome. Identifiers: Orphanet 145, MedGen C0677776, MeSH D061325, MONDO:0003582. Disease mechanism: loss of function.
Hereditary cancer-predisposing syndrome. Also called: Tumor predisposition; Hereditary Cancer Syndrome; Hereditary neoplastic syndrome; Neoplastic Syndromes, Hereditary. Identifiers: Orphanet 140162, MedGen C0027672, MeSH D009386, MONDO:0015356.
Breast-ovarian cancer, familial, susceptibility to, 2 (BROVCA2). Also called: BRCA2 Hereditary Breast and Ovarian Cancer. Identifiers: Orphanet 145, MedGen C2675520, MONDO:0012933, OMIM 612555. Disease mechanism: loss of function.

Allele frequency attached by ClinVar (database versions not stated): ExAC 0.00001; gnomAD exomes 0.00001; gnomAD 0.00002; TOPMed 0.00004.
gnomAD v4.1: 16 of 1,611,242 alleles (0.00099%); highest among the groups gnomAD compares: Admixed American, 0.0017%; no homozygotes.

Submissions (11):

Color Diagnostics, LLC DBA Color Health
Classification: Uncertain significance for Hereditary cancer-predisposing syndrome. Last evaluated: 2025-07-03. Review status: criteria provided, single submitter. Criteria: ACMG Guidelines, 2015. Collection method: clinical testing. Allele origin: germline.
Comment: This missense variant replaces glutamic acid with alanine at codon 470 of the BRCA2 protein. Computational prediction suggests that this variant may not impact protein structure and function. To our knowledge, functional studies have not been performed for this variant. This variant has been detected in a breast cancer case-control meta-analysis in 2/60466 cases and 1/53461 unaffected individuals (PMID: 33471991Leiden Open Variation Database DB-ID BRCA2_007274). This variant has been detected in 1 individual older than age 70 years who has never had cancer (FLOSSIES database). A multifactorial analysis has reported a likelihood ratio for pathogenicity based on personal and family history of 0.734 from log(LR)=-0.1344 for one carrier (PMID: 31853058). This variant has been identified in 2/247704 chromosomes in the general population by the Genome Aggregation Database (gnomAD). The available evidence is insufficient to determine the role of this variant in disease conclusively. Therefore, this variant is classified as a Variant of Uncertain Significance.

Labcorp Genetics (formerly Invitae), Labcorp
Classification: Uncertain significance for Hereditary breast ovarian cancer syndrome. Last evaluated: 2024-08-05. Review status: criteria provided, single submitter. Criteria: Invitae Variant Classification Sherloc (09022015). Collection method: clinical testing. Allele origin: germline.
Comment: This sequence change replaces glutamic acid, which is acidic and polar, with alanine, which is neutral and non-polar, at codon 470 of the BRCA2 protein (p.Glu470Ala). This variant is present in population databases (rs750341436, gnomAD 0.003%). This missense change has been observed in individual(s) with uterine cancer (PMID: 30374176). ClinVar contains an entry for this variant (Variation ID: 233895). Advanced modeling of protein sequence and biophysical properties (such as structural, functional, and spatial information, amino acid conservation, physicochemical variation, residue mobility, and thermodynamic stability) performed at Invitae indicates that this missense variant is not expected to disrupt BRCA2 protein function with a negative predictive value of 95%. In summary, the available evidence is currently insufficient to determine the role of this variant in disease. Therefore, it has been classified as a Variant of Uncertain Significance.

All of Us Research Program, National Institutes of Health
Classification: Uncertain significance for Breast-ovarian cancer, familial, susceptibility to, 2. Last evaluated: 2023-08-15. Review status: criteria provided, single submitter. Criteria: ACMG Guidelines, 2015. Collection method: clinical testing. Allele origin: germline. Inheritance: Autosomal dominant inheritance. Observed: 2 variant alleles, 2 heterozygotes.
Comment: This missense variant replaces glutamic acid with alanine at codon 470 of the BRCA2 protein. Computational prediction suggests that this variant may not impact protein structure and function (internally defined REVEL score threshold <= 0.5, PMID: 27666373). Splice site prediction tools suggest that this variant may not impact RNA splicing. To our knowledge, functional studies have not been performed for this variant. This variant has not been reported in individuals affected with hereditary cancer in the literature. This variant has been identified in 2/247704 chromosomes in the general population by the Genome Aggregation Database (gnomAD). The available evidence is insufficient to determine the role of this variant in disease conclusively. Therefore, this variant is classified as a Variant of Uncertain Significance.

This study involves interpretation of variants in research participants for the purpose of population health screening. Participant phenotype was not available at the time of variant classification. Additional details can be found in publication PMID: 35346344, PMCID: PMC8962531

University of Washington Department of Laboratory Medicine, University of Washington
Classification: Likely benign for Hereditary cancer-predisposing syndrome. Last evaluated: 2023-03-23. Review status: criteria provided, single submitter. Criteria: Dines et al. (Genet Med. 2020). Collection method: curation. Allele origin: germline.
Comment: Missense variant in a coldspot region where missense variants are very unlikely to be pathogenic (PMID:31911673).

BRCA2 exon 10 coldspot. Reclassification based on statistical prior probability.

Ambry Genetics
Classification: Likely benign for Hereditary cancer-predisposing syndrome. Last evaluated: 2021-06-28. Review status: criteria provided, single submitter. Criteria: Ambry Variant Classification Scheme 2023. Collection method: clinical testing. Allele origin: germline.

CHEO Genetics Diagnostic Laboratory, Children's Hospital of Eastern Ontario
Classification: Uncertain significance for Breast and/or ovarian cancer. Last evaluated: 2020-04-15. Review status: criteria provided, single submitter. Criteria: ACMG Guidelines, 2015. Collection method: clinical testing. Allele origin: germline.

Quest Diagnostics Nichols Institute San Juan Capistrano
Classification: Uncertain significance. Last evaluated: 2020-02-04. Review status: criteria provided, single submitter. Criteria: Quest Diagnostics criteria. Collection method: clinical testing. Allele origin: unknown.

Women's Health and Genetics/Laboratory Corporation of America, LabCorp
Classification: Uncertain significance. Last evaluated: 2019-08-23. Review status: criteria provided, single submitter. Criteria: LabCorp Variant Classification Summary - May 2015. Collection method: clinical testing. Allele origin: germline.
Comment: Variant summary: BRCA2 c.1409A>C (p.Glu470Ala) results in a non-conservative amino acid change in the encoded protein sequence. Three of five in-silico tools predict a benign effect of the variant on protein function. The variant allele was found at a frequency of 8.1e-06 in 247704 control chromosomes (gnomAD). The available data on variant occurrences in the general population are insufficient to allow any conclusion about variant significance. To our knowledge, no occurrence of c.1409A>C in individuals affected with affected with Hereditary Breast and Ovarian Cancer and no experimental evidence demonstrating its impact on protein function have been reported. Six ClinVar submissions (evaluation after 2014) classified this variant as VUS (5x) and benign (1x). Based on the evidence outlined above, the variant was classified as uncertain significance.

University of Washington Department of Laboratory Medicine, University of Washington
Classification: Benign for Hereditary breast and ovarian cancer syndrome. Last evaluated: 2018-09-28. Review status: criteria provided, single submitter. Criteria: Tsai GJ et al. (Genet Med 2018). Collection method: research. Allele origin: germline. Inheritance: Autosomal dominant inheritance. Affected: no.
Comment: The BRCA2 variant designated as NM_000059.3(BRCA2):c.1409A>C (p.Glu470Ala) is classified as benign. Computer software programs predict that this variant is likely to be tolerated, adding supporting evidence that this variant is benign. This variant is found in exon 10, in a domain where non-truncating mutations are usually benign. Co-segregation analysis of one observed family was performed using an online resource (RaÃ±ola et al, 2018, PMID:28965303) and demonstrates that this allele has a likelihood ratio of pathogenicity of 0.0004 to 1 (Thompson et al, 2003, PMID:2900794), providing additional evidence that this variant is less likely to cause cancer. Bayesian analysis integrating all of this data (Tavtigian et al, 2018, Tavtigian et al, 2018, PMID:29300386) gives less than 1% probability of pathogenicity, which is consistent with a classification of benign. This variant is not predicted to alter BRCA2 function or modify cancer risk. This analysis was performed in conjunction with the family studies project as part of the University of Washington Find My Variant Study.

GeneDx
Classification: Uncertain significance. Last evaluated: 2017-11-14. Review status: criteria provided, single submitter. Criteria: GeneDx Variant Classification (06012015). Collection method: clinical testing. Allele origin: germline. Affected: yes.
Comment: This variant is denoted BRCA2 c.1409A>C at the cDNA level, p.Glu470Ala (E470A) at the protein level, and results in the change of a Glutamic Acid to an Alanine (GAA>GCA). Using alternate nomenclature, this variant would be defined as BRCA2 1637A>C. This variant has not, to our knowledge, been published in the literature as pathogenic or benign. BRCA2 Glu470Ala was not observed at a significant frequency in large population cohorts (Lek 2016). Since Glutamic Acid and Alanine differ in polarity, charge, size or other properties, this is considered a non-conservative amino acid substitution. BRCA2 Glu470Ala is not located in a known functional domain. In-silico analyses, including protein predictors and evolutionary conservation, support that this variant does not alter protein structure/function. Based on currently available information, it is unclear whether BRCA2 Glu470Ala is pathogenic or benign. We consider it to be a variant of uncertain significance.

Department of Pathology and Laboratory Medicine, Sinai Health System
Classification: Uncertain significance. Last evaluated: 2015-06-10. Review status: criteria provided, single submitter. Criteria: ACMG Guidelines, 2015. Collection method: clinical testing. Allele origin: germline. Affected: yes. Study: The Canadian Open Genetics Repository (COGR).

Literature cited by the submitters: PubMed 31853058 (cited by Color Diagnostics, LLC DBA Color Health); PubMed 33471991 (cited by Color Diagnostics, LLC DBA Color Health); PubMed 30374176 (cited by 3 submitters).